The following is an entry in ClinVar:

ClinVar aggregate classification (germline): Benign. Review status: criteria provided, multiple submitters, no conflicts (2 of 4 stars). 2 submissions from 2 submitters: Benign (2). Last evaluated 2026-03-01.

Allele frequency attached by ClinVar (database versions not stated): 1000 Genomes Project 0.00280; 1000 Genomes Project 30x 0.00297; TOPMed 0.00483; gnomAD 0.00531 and 0.00539; ESP Exome Variant Server 0.00584; gnomAD exomes 0.00597; ExAC 0.00622.
gnomAD v4.1: 11,666 of 1,573,798 alleles (0.74%); highest among the groups gnomAD compares: South Asian, 1%; 58 homozygotes.

Submissions (2):

CeGaT Center for Human Genetics Tuebingen
Classification: Benign. Last evaluated: 2026-03-01. Review status: criteria provided, single submitter. Criteria: CeGaT Center For Human Genetics Tuebingen Variant Classification Criteria Version 2. Collection method: clinical testing. Allele origin: germline. Affected: yes. Observed: 7 variant alleles.
Comment: IL6: BP4, BS1, BS2

Labcorp Genetics (formerly Invitae), Labcorp
Classification: Benign. Last evaluated: 2019-12-31. Review status: criteria provided, single submitter. Criteria: Invitae Variant Classification Sherloc (09022015). Collection method: clinical testing. Allele origin: germline.

NM_000600.5(IL6):c.485A>T (p.Asp162Val)

Gene: IL6 (interleukin 6; plus strand). Cytogenetic location: 7p15.3.
Variant type: single nucleotide variant.
Coding change: c.485A>T on transcript NM_000600.5 (MANE Select); coding-DNA position 485, A replaced by T.
Protein change: p.Asp162Val; replaces aspartic acid 162 with valine.
Molecular consequence: missense variant.
Genome position (GRCh38, 1-based): chr7:22,731,419, A>T. VCF-style: chr7-22731419-A-T. GRCh37 (hg19) VCF-style: chr7-22771038-A-T.
Other names: c.257A>T, p.Asp86Val (NM_001318095.2); c.416A>T, p.Asp139Val (NM_001371096.1); short protein forms D162V, D86V, D139V.
Identifiers: ClinVar variation 777811 (VCV000777811.28), dbSNP rs2069860, ClinGen allele CA4185467.
Genomic context (GRCh38, chr7:22,731,419, plus strand): 5'-ATTTATTCAACATTTAAACAATCCTTTTTACTTTCATTTTCCTTCAGGCAAAGAATCTAG[A>T]TGCAATAACCACCCCTGACCCAACCACAAATGCCAGCCTGCTGACGAAGCTGCAGGCACA-3'
Protein context (NP_000591.1, residues 152-172): QFLQKKAKNL[Asp162Val]AITTPDPTTN